The following is an entry in ClinVar:

ClinVar aggregate classification (germline): Pathogenic/Likely pathogenic. Review status: criteria provided, multiple submitters, no conflicts (2 of 4 stars). 3 submissions from 3 submitters: Pathogenic (1); Likely pathogenic (2). Last evaluated 2026-09-18.

Conditions:
CUBN-related disorder. Also called: CUBN-related condition.
Proteinuria, chronic benign. Identifiers: MedGen C5394384, MONDO:0030042, OMIM 618884.
Imerslund-Grasbeck syndrome type 1 (IGS1). Also called: Megaloblastic anemia 1, Finnish type; MEGALOBLASTIC ANEMIA, 1; Imerslund-Gräsbeck syndrome 1. Identifiers: MedGen C4016819, MONDO:0100156, OMIM 261100.
Imerslund-Grasbeck syndrome. Also called: Megaloblastic anemia due to inborn errors of metabolism; ENTEROCYTE COBALAMIN MALABSORPTION; ENTEROCYTE INTRINSIC FACTOR RECEPTOR, DEFECT OF; PERNICIOUS ANEMIA, JUVENILE, DUE TO SELECTIVE INTESTINAL MALABSORPTION OF VITAMIN B12, WITH PROTEINURIA; Imerslund-Gräsbeck syndrome. Identifiers: Orphanet 35858, MedGen C4551825, MONDO:0009853.

Submissions (3):

PreventionGenetics, part of Exact Sciences
Classification: Likely pathogenic for CUBN-related condition. Last evaluated: 2026-09-18. Review status: criteria provided, single submitter. Criteria: ACMG Guidelines, 2015. Collection method: clinical testing. Allele origin: germline.
Comment: The CUBN c.4165delT variant is predicted to result in a frameshift and premature protein termination (p.Tyr1389Thrfs*74). To our knowledge, this variant has not been reported in the literature. This variant is reported in 0.044% of alleles in individuals of African descent in gnomAD. Frameshift variants in CUBN are expected to be pathogenic. This variant is interpreted as likely pathogenic.

Labcorp Genetics (formerly Invitae), Labcorp
Classification: Pathogenic for Imerslund-Grasbeck syndrome. Last evaluated: 2024-10-24. Review status: criteria provided, single submitter. Criteria: Invitae Variant Classification Sherloc (09022015). Collection method: clinical testing. Allele origin: germline.
Comment: This sequence change creates a premature translational stop signal (p.Tyr1389Thrfs*74) in the CUBN gene. It is expected to result in an absent or disrupted protein product. Loss-of-function variants in CUBN are known to be pathogenic (PMID: 15024727, 22929189, 25349199, 31613795, 34979989). This variant is present in population databases (rs774493547, gnomAD 0.05%). This variant has not been reported in the literature in individuals affected with CUBN-related conditions. ClinVar contains an entry for this variant (Variation ID: 1033271). For these reasons, this variant has been classified as Pathogenic.

Fulgent Genetics
Classification: Likely pathogenic for Imerslund-Grasbeck syndrome type 1; Proteinuria, chronic benign. Last evaluated: 2024-06-08. Review status: criteria provided, single submitter. Criteria: ACMG Guidelines, 2015. Collection method: clinical testing. Allele origin: germline.

Literature cited by the submitters: PubMed 15024727 (cited by Labcorp Genetics (formerly Invitae), Labcorp); PubMed 22929189 (cited by Labcorp Genetics (formerly Invitae), Labcorp); PubMed 25349199 (cited by Labcorp Genetics (formerly Invitae), Labcorp); PubMed 31613795 (cited by Labcorp Genetics (formerly Invitae), Labcorp); PubMed 34979989 (cited by Labcorp Genetics (formerly Invitae), Labcorp).

NM_001081.4(CUBN):c.4165del (p.Tyr1389fs)

Gene: CUBN (cubilin; minus strand). Cytogenetic location: 10p13.
Variant type: Deletion.
Coding change: c.4165del on transcript NM_001081.4 (MANE Select); coding-DNA position 4165, one base deleted (T; older notation c.4165delT).
Protein change: p.Tyr1389fs; shifts the reading frame from tyrosine 1389.
Molecular consequence: frameshift variant.
Genome position (GRCh38, 1-based): chr10:17,019,836, A deleted on the plus strand (T on the coding strand, the reverse complement: CUBN is on the minus strand); the first of 3 consecutive A bases (chr10:17,019,836-17,019,838); deleting any one gives the same sequence. VCF-style (leftmost placement, unchanged base first): chr10-17019835-TA-T. GRCh37 (hg19) VCF-style: chr10-17061834-TA-T.
Other names: c.4165del (NM_001081.3); short protein forms Y1389fs.
Identifiers: ClinVar variation 1033271 (VCV001033271.11), dbSNP rs774493547, ClinGen allele CA5424481.